The following is an entry in ClinVar:

NM_007254.4(PNKP):c.1285G>T (p.Ala429Ser)

Gene: PNKP (polynucleotide kinase 3'-phosphatase; minus strand). Cytogenetic location: 19q13.33.
Variant type: single nucleotide variant.
Coding change: c.1285G>T on transcript NM_007254.4 (MANE Select); coding-DNA position 1285, G replaced by T.
Protein change: p.Ala429Ser; replaces alanine 429 with serine.
Molecular consequence: missense variant.
Genome position (GRCh38, 1-based): chr19:49,861,785, C>A on the plus strand (G>T on the coding strand, the complement: PNKP is on the minus strand). VCF-style: chr19-49861785-C-A. GRCh37 (hg19) VCF-style: chr19-50365042-C-A.
Other names: short protein forms A429S.
Identifiers: ClinVar variation 1022123 (VCV001022123.9), dbSNP rs148386689, ClinGen allele CA309540022.

ClinVar aggregate classification (germline): Uncertain significance (1 of 4 stars; one submission).

Conditions:
Developmental and epileptic encephalopathy, 12 (DEE12). Identifiers: MedGen C3150988, MONDO:0013389, OMIM 613722.

gnomAD v4.1: 5 of 1,566,094 alleles (0.00032%); highest among the groups gnomAD compares: South Asian, 0.0012%; no homozygotes.

Submission:

Labcorp Genetics (formerly Invitae), Labcorp
Classification: Uncertain significance for Developmental and epileptic encephalopathy, 12. Last evaluated: 2022-10-18. Review status: criteria provided, single submitter. Criteria: Invitae Variant Classification Sherloc (09022015). Collection method: clinical testing. Allele origin: germline.
Comment: This sequence change replaces alanine, which is neutral and non-polar, with serine, which is neutral and polar, at codon 429 of the PNKP protein (p.Ala429Ser). This variant is not present in population databases (gnomAD no frequency). This variant has not been reported in the literature in individuals affected with PNKP-related conditions. ClinVar contains an entry for this variant (Variation ID: 1022123). Advanced modeling of protein sequence and biophysical properties (such as structural, functional, and spatial information, amino acid conservation, physicochemical variation, residue mobility, and thermodynamic stability) performed at Invitae indicates that this missense variant is not expected to disrupt PNKP protein function. In summary, the available evidence is currently insufficient to determine the role of this variant in disease. Therefore, it has been classified as a Variant of Uncertain Significance.